The following is an entry in ClinVar:

ClinVar aggregate classification (germline): Uncertain significance (1 of 4 stars; one submission).

gnomAD v4.1: 7 of 1,607,136 alleles (0.00044%); highest among the groups gnomAD compares: African/African-American, 0.0094%; no homozygotes.

Submission:

GeneDx
Classification: Uncertain significance. Last evaluated: 2024-08-17. Review status: criteria provided, single submitter. Criteria: GeneDx Variant Classification Process June 2021. Collection method: clinical testing. Allele origin: germline. Affected: yes.
Comment: In silico analysis supports that this missense variant does not alter protein structure/function; Has not been previously published as pathogenic or benign to our knowledge

NM_001377.3(DYNC2H1):c.9393G>C (p.Glu3131Asp)

Gene: DYNC2H1 (dynein cytoplasmic 2 heavy chain 1; plus strand). Cytogenetic location: 11q22.3.
Variant type: single nucleotide variant.
Coding change: c.9393G>C on transcript NM_001377.3 (MANE Select); coding-DNA position 9393, G replaced by C.
Protein change: p.Glu3131Asp; replaces glutamic acid 3131 with aspartic acid.
Molecular consequence: missense variant.
Genome position (GRCh38, 1-based): chr11:103,231,299, G>C. VCF-style: chr11-103231299-G-C. GRCh37 (hg19) VCF-style: chr11-103102028-G-C.
Other names: c.9393G>C, p.Glu3131Asp (NM_001080463.2); short protein forms E3131D.
Identifiers: ClinVar variation 3730894 (VCV003730894.1).
Genomic context (GRCh38, chr11:103,231,299, plus strand): 5'-TAATATTGAGTTATATTTTAGGAATCTGAAGAAAACTGAAGACAGAAAAAGGAAACTAGA[G>C]GAGCTTCTTAATTCTGTTGGTCAAAAGGTATCAGAACTCAAAGAAAAGTAAGTTATATTT-3'
Protein context (NP_001368.2, residues 3121-3141): KKTEDRKRKL[Glu3131Asp]ELLNSVGQKV